The following is an entry in ClinVar:

ClinVar aggregate classification (germline): Pathogenic. Review status: criteria provided, multiple submitters, no conflicts (2 of 4 stars). 3 submissions from 3 submitters: Pathogenic (2). 1 of the submissions does not count toward it. Last evaluated 2016-11-16.

Conditions:
Epileptic encephalopathy. Identifiers: MedGen C0543888, HP:0200134.
Developmental and epileptic encephalopathy, 13 (DEE13). Also called: Early infantile epileptic encephalopathy 13; SCN8A-Related Epilepsy; Developmental and Epileptic Encephalopathy (SCN8A-DEE). Identifiers: Orphanet 442835, MedGen C3281191, MONDO:0013801, OMIM 614558.

Submissions (3):

Neurogenetics Laboratory - MEYER, AOU Meyer
Classification: Pathogenic for Epileptic encephalopathy. Last evaluated: 2016-11-16. Review status: criteria provided, single submitter. Criteria: ACMG Guidelines, 2015. Collection method: clinical testing. Allele origin: de novo. Affected: yes. Observed: 1 heterozygote.

GeneDx
Classification: Pathogenic. Last evaluated: 2016-02-10. Review status: criteria provided, single submitter. Criteria: GeneDx Variant Classification (06012015). Collection method: clinical testing. Allele origin: germline. Affected: yes.
Comment: The A1650T pathogenic variant in the SCN8A gene has been reported previously as a de novo variant in two unrelated individuals whose combined features include intractable early-onset epileptic encephalopathy, severely regressed development, intellectual disability, quadriparesis with dystonic posturing, hypotonia, and MRI abnormalities including asymmetric ventricles and mild diffuse atrophy (Larsen et al., 2015; Ohba et al., 2014). The A1650T variant was not observed in approximately 6500 individuals of European and African American ancestry in the NHLBI Exome Sequencing Project, indicating it is not a common benign variant in these populations. The A1650T variant is a non-conservative amino acid substitution, which is likely to impact secondary protein structure as these residues differ in polarity, charge, size and/or other properties. This substitution occurs at a position that is conserved across species and in silico analysis predicts this variant is probably damaging to the protein structure/function. We interpret A1650T as a pathogenic variant.

GeneReviews
No classification provided. Condition: Developmental and epileptic encephalopathy, 13. Review status: no classification provided. Collection method: literature only. Allele origin: germline. Affected: yes. Not counted in ClinVar's aggregate classification.

Literature cited by the submitters: PubMed 25568300 (cited by GeneReviews); PubMed 24888894 (cited by GeneReviews); NCBI Bookshelf NBK379665 (cited by GeneReviews).

NM_001330260.2(SCN8A):c.4948G>A (p.Ala1650Thr)

Gene: SCN8A (sodium voltage-gated channel alpha subunit 8; plus strand). Cytogenetic location: 12q13.13.
Variant type: single nucleotide variant.
Coding change: c.4948G>A on transcript NM_001330260.2 (MANE Select); coding-DNA position 4948, G replaced by A.
Protein change: p.Ala1650Thr; replaces alanine 1650 with threonine.
Molecular consequence: missense variant.
Genome position (GRCh38, 1-based): chr12:51,806,434, G>A. VCF-style: chr12-51806434-G-A. GRCh37 (hg19) VCF-style: chr12-52200218-G-A.
Other names: c.4825G>A, p.Ala1609Thr (NM_001177984.3, NM_001369788.1); c.4948G>A, p.Ala1650Thr (NM_014191.4); short protein forms A1650T, A1609T.
Identifiers: ClinVar variation 253294 (VCV000253294.4), dbSNP rs879255709, ClinGen allele CA10586299.